The following is an entry in ClinVar:

ClinVar aggregate classification (germline): Uncertain significance (1 of 4 stars; one submission).

Submission:

GeneDx
Classification: Uncertain significance. Last evaluated: 2024-06-23. Review status: criteria provided, single submitter. Criteria: GeneDx Variant Classification Process June 2021. Collection method: clinical testing. Allele origin: germline. Affected: yes.
Comment: Not observed at significant frequency in large population cohorts (gnomAD); In silico analysis supports that this missense variant has a deleterious effect on protein structure/function; Has not been previously published as pathogenic or benign to our knowledge

NM_181552.4(CUX1):c.2877C>G (p.Asn959Lys)

Gene: CUX1 (cut like homeobox 1; plus strand). Cytogenetic location: 7q22.1.
Variant type: single nucleotide variant.
Coding change: c.2877C>G on transcript NM_181552.4 (MANE Select); coding-DNA position 2877, C replaced by G.
Protein change: p.Asn959Lys; replaces asparagine 959 with lysine.
Molecular consequence: missense variant. On other transcripts: intron variant (5).
Genome position (GRCh38, 1-based): chr7:102,202,174, C>G. VCF-style: chr7-102202174-C-G. GRCh37 (hg19) VCF-style: chr7-101845454-C-G.
Other names: c.2910C>G, p.Asn970Lys (NM_001202543.2); c.1255+6571C>G (NM_001913.5); c.1249+6571C>G (NM_181500.4); c.1117+6571C>G (NM_001202545.3); c.1207+6571C>G (NM_001202544.3); c.1138+6571C>G (NM_001202546.3); short protein forms N959K, N970K.
Identifiers: ClinVar variation 3391465 (VCV003391465.1).